The following is an entry in ClinVar:

ClinVar aggregate classification (germline): Uncertain significance (1 of 4 stars; one submission).

Submission:

Labcorp Genetics (formerly Invitae), Labcorp
Classification: Uncertain significance. Last evaluated: 2020-12-19. Review status: criteria provided, single submitter. Criteria: Invitae Variant Classification Sherloc (09022015). Collection method: clinical testing. Allele origin: germline.
Comment: In summary, the available evidence is currently insufficient to determine the role of this variant in disease. Therefore, it has been classified as a Variant of Uncertain Significance. Algorithms developed to predict the effect of missense changes on protein structure and function are either unavailable or do not agree on the potential impact of this missense change (SIFT: "Deleterious"; PolyPhen-2: "Probably Damaging"; Align-GVGD: "Class C0"). This variant has not been reported in the literature in individuals with CTNNA1-related conditions. This variant is not present in population databases (ExAC no frequency). This sequence change replaces serine with arginine at codon 477 of the CTNNA1 protein (p.Ser477Arg). The serine residue is highly conserved and there is a moderate physicochemical difference between serine and arginine.

NM_001903.5(CTNNA1):c.1431T>G (p.Ser477Arg)

Gene: CTNNA1 (catenin alpha 1; plus strand). Cytogenetic location: 5q31.2.
Variant type: single nucleotide variant.
Coding change: c.1431T>G on transcript NM_001903.5 (MANE Select); coding-DNA position 1431, T replaced by G.
Protein change: p.Ser477Arg; replaces serine 477 with arginine.
Molecular consequence: missense variant. On other transcripts: 5 prime UTR variant (5).
Genome position (GRCh38, 1-based): chr5:138,917,783, T>G. VCF-style: chr5-138917783-T-G. GRCh37 (hg19) VCF-style: chr5-138253472-T-G.
Other names: c.1431T>G, p.Ser477Arg (NM_001290307.3, NM_001323982.2, NM_001323983.1 and 2 more transcripts); c.1122T>G, p.Ser374Arg (NM_001290309.3); c.1062T>G, p.Ser354Arg (NM_001290310.3); c.321T>G, p.Ser107Arg (NM_001290312.1, NM_001323987.1, NM_001323988.1 and 17 more transcripts); c.1338T>G, p.Ser446Arg (NM_001323986.2); c.-19T>G (NM_001324006.1, NM_001324007.1, NM_001324008.1 and 2 more transcripts); c.228T>G, p.Ser76Arg (NM_001324011.1); c.78T>G, p.Ser26Arg (NM_001324012.1, NM_001324013.1); short protein forms S354R, S374R, S26R, S446R, S107R, S477R, S76R.
Identifiers: ClinVar variation 1356861 (VCV001356861.8), dbSNP rs1256315638, ClinGen allele CA361137166.